The following is an entry in ClinVar:

NM_000891.3(KCNJ2):c.436G>A (p.Gly146Ser)

Gene: KCNJ2 (potassium inwardly rectifying channel subfamily J member 2; plus strand). Cytogenetic location: 17q24.3.
Variant type: single nucleotide variant.
Coding change: c.436G>A on transcript NM_000891.3 (MANE Select); coding-DNA position 436, G replaced by A.
Protein change: p.Gly146Ser; replaces glycine 146 with serine.
Molecular consequence: missense variant.
Genome position (GRCh38, 1-based): chr17:70,175,475, G>A. VCF-style: chr17-70175475-G-A. GRCh37 (hg19) VCF-style: chr17-68171616-G-A.
Other names: c.436G>A (LRG_328t1); short protein forms G146S.
Identifiers: ClinVar variation 67576 (VCV000067576.6), dbSNP rs199473654, ClinGen allele CA329675.

ClinVar aggregate classification (germline): Pathogenic. Review status: criteria provided, multiple submitters, no conflicts (2 of 4 stars). 3 submissions from 3 submitters: Pathogenic (2). 1 of the submissions does not count toward it. Last evaluated 2026-01-21.

Conditions:
Familial long QT syndrome (RWS). Also called: Congenital long QT syndrome; Romano-Ward syndrome; VENTRICULAR FIBRILLATION WITH PROLONGED QT INTERVAL. Identifiers: Orphanet 768, MedGen C1141890, MONDO:0019171.
Andersen Tawil syndrome (LQT7). Also called: ANDERSEN CARDIODYSRHYTHMIC PERIODIC PARALYSIS; Andersen Syndrome; Potassium-sensitive periodic paralysis, ventricular ectopy, and dysmorphic features; LONG QT SYNDROME 7; PERIODIC PARALYSIS, POTASSIUM-SENSITIVE CARDIODYSRHYTHMIC TYPE. Identifiers: Orphanet 37553, MedGen C1563715, MONDO:0008222, OMIM 170390.
Short QT syndrome type 3. Identifiers: Orphanet 51083, MedGen C1865018, MONDO:0012314, OMIM 609622.

Submissions (3):

3billion
Classification: Pathogenic for Andersen Tawil syndrome. Last evaluated: 2026-01-21. Review status: criteria provided, single submitter. Criteria: ACMG Guidelines, 2015. Collection method: clinical testing. Allele origin: germline. Affected: yes.
Comment: The variant is not observed in the gnomAD v4.1.0 dataset. Predicted Consequence/Location: Missense variant. Missense changes are a common disease-causing mechanism. Functional studies provide moderate evidence of the variant having a damaging effect on the gene or gene product (PMID: 17221872). In silico tool predictions suggest damaging effect of the variant on gene or gene product [REVEL: 0.96 (>=0.6, sensitivity 0.68 and specificity 0.92); 3Cnet: 0.99 (> 0.75, sensitivity 0.96 and precision 0.92)]. The same nucleotide change resulting in the same amino acid change has been previously reported as pathogenic/likely pathogenic with strong evidence (ClinVar ID: VCV000067576 /PMID: 17221872 /3billion dataset). The variant has been previously reported as assumed (i.e. paternity and maternity not confirmed) de novo in at least one similarly affected unrelated individual (PMID: 17221872). Different missense changes at the same codon (p.Gly146Ala, p.Gly146Arg, p.Gly146Asp, p.Gly146Val) have been reported to be associated with KCNJ2-related disorder (PMID: 12796536, 19931173, 24861851, 35460302). Therefore, this variant is classified as Pathogenic according to the recommendation of ACMG/AMP guideline.

Labcorp Genetics (formerly Invitae), Labcorp
Classification: Pathogenic for Short QT syndrome type 3; Andersen Tawil syndrome. Last evaluated: 2022-12-30. Review status: criteria provided, single submitter. Criteria: Invitae Variant Classification Sherloc (09022015). Collection method: clinical testing. Allele origin: germline.
Comment: This variant is not present in population databases (gnomAD no frequency). For these reasons, this variant has been classified as Pathogenic. This variant disrupts the p.Gly146 amino acid residue in KCNJ2. Other variant(s) that disrupt this residue have been determined to be pathogenic (PMID: 19931173). This suggests that this residue is clinically significant, and that variants that disrupt this residue are likely to be disease-causing. Experimental studies have shown that this missense change affects KCNJ2 function (PMID: 17221872). Advanced modeling of protein sequence and biophysical properties (such as structural, functional, and spatial information, amino acid conservation, physicochemical variation, residue mobility, and thermodynamic stability) performed at Invitae indicates that this missense variant is expected to disrupt KCNJ2 protein function. ClinVar contains an entry for this variant (Variation ID: 67576). This missense change has been observed in individual(s) with Andersen-Tawil syndrome (PMID: 17221872). In at least one individual the variant was observed to be de novo. This sequence change replaces glycine, which is neutral and non-polar, with serine, which is neutral and polar, at codon 146 of the KCNJ2 protein (p.Gly146Ser).

Cardiovascular Biomedical Research Unit, Royal Brompton & Harefield NHS Foundation Trust
No classification provided. Condition: Familial long QT syndrome. Review status: no classification provided. Collection method: literature only. Allele origin: germline. Not counted in ClinVar's aggregate classification.
Comment: This variant has been reported in the following publications (PMID:17221872).

Literature cited by the submitters: PubMed 17221872 (cited by 3 submitters); PubMed 12796536 (cited by 3billion); PubMed 19931173 (cited by Labcorp Genetics (formerly Invitae), Labcorp); PubMed 22581653 (cited by Cardiovascular Biomedical Research Unit, Royal Brompton & Harefield NHS Foundation Trust).